The following is an entry in ClinVar:

ClinVar aggregate classification (germline): Conflicting classifications of pathogenicity. Review status: criteria provided, conflicting classifications (1 of 4 stars). 8 submissions from 8 submitters: Uncertain significance (1); Benign (1); Likely benign (5). 1 of the submissions does not count toward it. Last evaluated 2026-06-15.

Conditions:
Ehlers-Danlos syndrome, type 4 (EDSVASC). Also called: Ehlers-Danlos Syndrome Type IV; Ehlers-Danlos syndrome vascular type; Ehlers Danlos syndrome, ecchymotic type; Ehlers Danlos syndrome, arterial type; Ehlers Danlos syndrome, Sack-Barabas type. Identifiers: Orphanet 286, MedGen C0268338, MONDO:0017314, OMIM 130050.
COL3A1-related disorder. Also called: COL3A1-related condition.
Familial thoracic aortic aneurysm and aortic dissection (TAAD). Also called: Thoracic aortic aneurysms and dissections. Identifiers: Orphanet 91387, MedGen C4707243, MONDO:0019625.

Allele frequency attached by ClinVar (database versions not stated): gnomAD exomes 0.00009 and 0.00027; TOPMed 0.00010; gnomAD 0.00011 and 0.00015; ExAC 0.00029; 1000 Genomes Project 30x 0.00109; 1000 Genomes Project 0.00120.
gnomAD v4.1: 150 of 1,613,926 alleles (0.0093%); highest among the groups gnomAD compares: East Asian, 0.31%; no homozygotes.

Submissions (8):

Women's Health and Genetics/Laboratory Corporation of America, LabCorp
Classification: Likely benign. Last evaluated: 2026-06-15. Review status: criteria provided, single submitter. Criteria: LabCorp Variant Classification Summary - May 2015. Collection method: clinical testing. Allele origin: germline.
Comment: Variant summary: COL3A1 c.1697C>T (p.Pro566Leu) results in a non-conservative amino acid change in the encoded protein sequence. Algorithms developed to predict the effect of missense changes on protein structure and function all suggest that this variant is likely to be disruptive. The variant allele was found at a frequency of 0.00027 in 251358 control chromosomes, predominantly at a frequency of 0.0035 within the East Asian subpopulation in the gnomAD database. The observed variant frequency within East Asian control individuals in the gnomAD database exceeds the estimated maximal expected allele frequency for disease-causing variants in COL3A1. c.1697C>T has been observed in individuals affected with COL3A1-related sporadic thoracic aortic dissection without segregation data (Chen_2021). These report(s) do not provide unequivocal conclusions about association of the variant with disease. To our knowledge, no experimental evidence demonstrating an impact on protein function has been reported. The following publication have been ascertained in the context of this evaluation (PMID: 34047934). ClinVar contains an entry for this variant (Variation ID: 333055). Based on the evidence outlined above, the variant was classified as likely benign.

Labcorp Genetics (formerly Invitae), Labcorp
Classification: Likely benign for Ehlers-Danlos syndrome, type 4. Last evaluated: 2026-01-28. Review status: criteria provided, single submitter. Criteria: Invitae Variant Classification Sherloc (09022015). Collection method: clinical testing. Allele origin: germline.

GeneDx
Classification: Uncertain significance. Last evaluated: 2024-05-29. Review status: criteria provided, single submitter. Criteria: GeneDx Variant Classification Process June 2021. Collection method: clinical testing. Allele origin: germline. Affected: yes.
Comment: Identified in a patient with a history of sudden cardiac arrest and syncope; this variant was also identified in a relative with syncope who harbored additional cardiogenetic variants (PMID: 30129429); Reported in a patient with thoracic aortic aneurysm in published literature; however, it is unclear if additional variants were identified in this patient (PMID: 34047934); In silico analysis supports that this missense variant has a deleterious effect on protein structure/function; Occurs in the triple helical domain at the Y position in the canonical Gly-X-Y repeat; although this variant may have an effect on normal protein folding and function, missense substitution at the Y position is not a common mechanism of disease (HGMD); This variant is associated with the following publications: (PMID: 34047934, 30129429)

Blueprint Genetics
Classification: Likely benign. Last evaluated: 2023-09-20. Review status: criteria provided, single submitter. Criteria: ACMG Guidelines, 2015. Collection method: clinical testing. Allele origin: germline.

Ambry Genetics
Classification: Likely benign for Familial thoracic aortic aneurysm and aortic dissection. Last evaluated: 2020-06-08. Review status: criteria provided, single submitter. Criteria: Ambry Variant Classification Scheme 2023. Collection method: clinical testing. Allele origin: germline.

Color Diagnostics, LLC DBA Color Health
Classification: Likely benign for Familial thoracic aortic aneurysm and aortic dissection. Last evaluated: 2018-10-23. Review status: criteria provided, single submitter. Criteria: ACMG Guidelines, 2015. Collection method: clinical testing. Allele origin: germline.

Illumina Laboratory Services, Illumina
Classification: Benign for Ehlers-Danlos syndrome, type 4. Last evaluated: 2018-01-13. Review status: criteria provided, single submitter. Criteria: ICSL Variant Classification Criteria 13 December 2019. Collection method: clinical testing. Allele origin: germline.
Comment: This variant was observed in the ICSL laboratory as part of a predisposition screen in an ostensibly healthy population. It had not been previously curated by ICSL or reported in the Human Gene Mutation Database (HGMD: prior to June 1st, 2018), and was therefore a candidate for classification through an automated scoring system. Utilizing variant allele frequency, disease prevalence and penetrance estimates, and inheritance mode, an automated score was calculated to assess if this variant is too frequent to cause the disease. Based on the score and internal cut-off values, a variant classified as benign is not then subjected to further curation. The score for this variant resulted in a classification of benign for this disease.

PreventionGenetics, part of Exact Sciences
Classification: Likely benign for COL3A1-related condition. Last evaluated: 2022-05-11. Review status: no assertion criteria provided. Collection method: clinical testing. Allele origin: germline. Not counted in ClinVar's aggregate classification.
Comment: This variant is classified as likely benign based on ACMG/AMP sequence variant interpretation guidelines (Richards et al. 2015 PMID: 25741868, with internal and published modifications).

Literature cited by the submitters: PubMed 34047934 (cited by Women's Health and Genetics/Laboratory Corporation of America, LabCorp); PubMed 30129429 (cited by Ambry Genetics).

NM_000090.4(COL3A1):c.1697C>T (p.Pro566Leu)

Gene: COL3A1 (collagen type III alpha 1 chain; plus strand). Cytogenetic location: 2q32.2.
Variant type: single nucleotide variant.
Coding change: c.1697C>T on transcript NM_000090.4 (MANE Select); coding-DNA position 1697, C replaced by T.
Protein change: p.Pro566Leu; replaces proline 566 with leucine.
Molecular consequence: missense variant.
Genome position (GRCh38, 1-based): chr2:188,996,432, C>T. VCF-style: chr2-188996432-C-T. GRCh37 (hg19) VCF-style: chr2-189861158-C-T.
Other names: short protein forms P566L.
Identifiers: ClinVar variation 333055 (VCV000333055.31), dbSNP rs150543864, ClinGen allele CA074571.